The following is an entry in ClinVar:

NM_001374828.1(ARID1B):c.5871T>G (p.Phe1957Leu)

Gene: ARID1B (AT-rich interaction domain 1B; plus strand). Cytogenetic location: 6q25.3.
Variant type: single nucleotide variant.
Coding change: c.5871T>G on transcript NM_001374828.1 (MANE Select); coding-DNA position 5871, T replaced by G.
Protein change: p.Phe1957Leu; replaces phenylalanine 1957 with leucine.
Molecular consequence: missense variant.
Genome position (GRCh38, 1-based): chr6:157,206,643, T>G. VCF-style: chr6-157206643-T-G. GRCh37 (hg19) VCF-style: chr6-157527777-T-G.
Other names: c.3372T>G, p.Phe1124Leu (NM_001363725.2); c.5751T>G, p.Phe1917Leu (NM_001371656.1, NM_001374820.1); c.5712T>G, p.Phe1904Leu (NM_017519.3); short protein forms F1124L, F1957L, F1917L, F1904L.
Identifiers: ClinVar variation 3673133 (VCV003673133.2).

ClinVar aggregate classification (germline): Uncertain significance (1 of 4 stars; one submission).

Submission:

Labcorp Genetics (formerly Invitae), Labcorp
Classification: Uncertain significance. Last evaluated: 2025-01-23. Review status: criteria provided, single submitter. Criteria: Invitae Variant Classification Sherloc (09022015). Collection method: clinical testing. Allele origin: germline.
Comment: This sequence change replaces phenylalanine, which is neutral and non-polar, with leucine, which is neutral and non-polar, at codon 1834 of the ARID1B protein (p.Phe1834Leu). This variant is not present in population databases (gnomAD no frequency). This variant has not been reported in the literature in individuals affected with ARID1B-related conditions. Invitae Evidence Modeling of protein sequence and biophysical properties (such as structural, functional, and spatial information, amino acid conservation, physicochemical variation, residue mobility, and thermodynamic stability) indicates that this missense variant is not expected to disrupt ARID1B protein function with a negative predictive value of 95%. In summary, the available evidence is currently insufficient to determine the role of this variant in disease. Therefore, it has been classified as a Variant of Uncertain Significance.